The following is an entry in ClinVar:

NM_007294.4(BRCA1):c.2079_2080insTA (p.Ser694Ter)

Gene: BRCA1 (BRCA1 DNA repair associated; minus strand). Cytogenetic location: 17q21.31.
Variant type: Insertion.
Coding change: c.2079_2080insTA on transcript NM_007294.4 (MANE Select); coding-DNA positions 2079 to 2080, TA inserted.
Protein change: p.Ser694Ter; replaces serine 694 with a stop codon.
Molecular consequence: nonsense. On other transcripts: intron variant (137).
Genome position: GRCh38 VCF-style: chr17-43093451-T-TTA. GRCh37 (hg19) VCF-style: chr17-41245468-T-TTA.
Other names: c.1866_1867insTA, p.Ser623Ter (NM_001407571.1, NM_001407853.1, NM_001407894.1 and 9 more transcripts); c.2079_2080insTA, p.Ser694Ter (NM_001407581.1, NM_001407582.1, NM_001407583.1 and 30 more transcripts); c.2076_2077insTA, p.Ser693Ter (NM_001407587.1, NM_001407590.1, NM_001407591.1 and 22 more transcripts); c.2070_2071insTA, p.Ser691Ter (NM_001407646.1, NM_001407647.1); c.1956_1957insTA, p.Ser653Ter (NM_001407648.1, NM_001407664.1, NM_001407665.1 and 19 more transcripts); c.1953_1954insTA, p.Ser652Ter (NM_001407649.1, NM_001407670.1, NM_001407671.1 and 11 more transcripts); c.2001_2002insTA, p.Ser668Ter (NM_001407653.1, NM_001407654.1, NM_001407655.1 and 4 more transcripts); c.1998_1999insTA, p.Ser667Ter (NM_001407659.1, NM_001407660.1, NM_001407661.1 and 1 more transcripts); and 40 more; short protein forms S694*, S647*, S398*, S566*, S583*, S605*, S606*, S627*.
Identifiers: ClinVar variation 548215 (VCV000548215.2), dbSNP rs1555590520, ClinGen allele CA658824022.

ClinVar aggregate classification (germline): Pathogenic (3 of 4 stars; one submission).

Conditions:
Breast-ovarian cancer, familial, susceptibility to, 1 (BROVCA1). Also called: BRCA1 Hereditary Breast and Ovarian Cancer; OVARIAN CANCER, SUSCEPTIBILITY TO. Identifiers: Orphanet 145, MedGen C2676676, MONDO:0011450, OMIM 604370. Disease mechanism: loss of function.

Submission:

Evidence-based Network for the Interpretation of Germline Mutant Alleles (ENIGMA)
Classification: Pathogenic for Breast-ovarian cancer, familial, susceptibility to, 1. Last evaluated: 2017-12-15. Review status: reviewed by expert panel. Criteria: ENIGMA BRCA1/2 Classification Criteria (2017-06-29). Collection method: curation. Allele origin: germline. Study: ENIGMA.
Comment: Variant allele predicted to encode a truncated non-functional protein.